The following is an entry in ClinVar:

ClinVar aggregate classification (germline): Uncertain significance. Review status: criteria provided, multiple submitters, no conflicts (2 of 4 stars). 2 submissions from 2 submitters: Uncertain significance (2). Last evaluated 2023-07-24.

Conditions:
Retinal dystrophy. Also called: Inherited retinal dystrophy. Identifiers: Orphanet 71862, MedGen C0854723, MeSH D058499, MONDO:0019118, HP:0000556.
Retinitis pigmentosa (RP). Identifiers: Orphanet 791, MedGen C0035334, MeSH D012174, MONDO:0019200, OMIM 268000. Inheritance: Autosomal dominant, autosomal recessive and X linked inheritance.

Submissions (2):

Ophthalmic Genetics Group, Institute of Molecular and Clinical Ophthalmology Basel
Classification: Uncertain significance for Retinitis pigmentosa. Last evaluated: 2023-07-24. Review status: criteria provided, single submitter. Criteria: ACMG Guidelines, 2015. Collection method: research. Allele origin: germline. Affected: yes. Observed: 1 variant allele.
Comment: Clinical significance based on ACMG v2.0

This variant was classified as Uncertain significance based on ACMG criteria: PM2, PP3, PP2.

Institute of Human Genetics, Univ. Regensburg, Univ. Regensburg
Classification: Uncertain significance for Retinal dystrophy. Last evaluated: 2022-01-01. Review status: criteria provided, single submitter. Criteria: ACMG Guidelines, 2015. Collection method: clinical testing. Allele origin: germline. Affected: yes.

Literature cited by the submitters: PubMed 36909829 (cited by Ophthalmic Genetics Group, Institute of Molecular and Clinical Ophthalmology Basel); PubMed 28512305 (cited by Institute of Human Genetics, Univ. Regensburg, Univ. Regensburg).

NM_014014.5(SNRNP200):c.3454C>T (p.Arg1152Cys)

Gene: SNRNP200 (small nuclear ribonucleoprotein U5 subunit 200; minus strand). Cytogenetic location: 2q11.2.
Variant type: single nucleotide variant.
Coding change: c.3454C>T on transcript NM_014014.5 (MANE Select); coding-DNA position 3454, C replaced by T.
Protein change: p.Arg1152Cys; replaces arginine 1152 with cysteine.
Molecular consequence: missense variant.
Genome position (GRCh38, 1-based): chr2:96,287,469, G>A on the plus strand (C>T on the coding strand, the complement: SNRNP200 is on the minus strand). VCF-style: chr2-96287469-G-A. GRCh37 (hg19) VCF-style: chr2-96953207-G-A.
Other names: NC_000002.11:g.96953207G>A; NP_054733.2:p.(Arg1152Cys); short protein forms R1152C.
Identifiers: ClinVar variation 2577496 (VCV002577496.3), dbSNP rs2063850946, ClinGen allele CA347672619.
Genomic context (GRCh38, chr2:96,287,469, plus strand): 5'-TGAGGACAAGGGCGAGAGCATCCCACACACCAATCTCATTATGATTCAGGTCGTACAGAC[G>A]CTCAAAGGGGAAATTCTTCTTCTCAATCTTCTTCACTACTTCCTCAGGGAGTTTCCGGAA-3'
Protein context (NP_054733.2, residues 1142-1162): KIEKKNFPFE[Arg1152Cys]LYDLNHNEIG